The following is an entry in ClinVar:

ClinVar aggregate classification (germline): Uncertain significance (1 of 4 stars; one submission).

gnomAD v4.1: 1 of 1,207,828 alleles (0.000083%); no homozygotes.

Submission:

GeneDx
Classification: Uncertain significance. Last evaluated: 2025-11-17. Review status: criteria provided, single submitter. Criteria: GeneDx Variant Classification Process June 2021. Collection method: clinical testing. Allele origin: germline.
Comment: Nonsense variant predicted to result in protein truncation as the last 93 amino acid(s) are lost with an unclear effect on protein function; Has not been previously published as pathogenic or benign to our knowledge

NM_001257291.2(SLC9A7):c.1900C>T (p.Arg634Ter)

Gene: SLC9A7 (solute carrier family 9 member A7; minus strand). Cytogenetic location: Xp11.3.
Variant type: single nucleotide variant.
Coding change: c.1900C>T on transcript NM_001257291.2 (MANE Select); coding-DNA position 1900, C replaced by T.
Protein change: p.Arg634Ter; replaces arginine 634 with a stop codon.
Molecular consequence: nonsense.
Genome position (GRCh38, 1-based): chrX:46,613,318, G>A on the plus strand (C>T on the coding strand, the complement: SLC9A7 is on the minus strand). VCF-style: chrX-46613318-G-A. GRCh37 (hg19) VCF-style: chrX-46472753-G-A.
Other names: c.1897C>T, p.Arg633Ter (NM_032591.3); short protein forms R633*, R634*.
Identifiers: ClinVar variation 3767533 (VCV003767533.2).